The following is an entry in ClinVar:

ClinVar aggregate classification (germline): Uncertain significance. Review status: criteria provided, multiple submitters, no conflicts (2 of 4 stars). 2 submissions from 2 submitters: Uncertain significance (2). Last evaluated 2023-08-28.

Allele frequency attached by ClinVar (database versions not stated): TOPMed 0.00001; ExAC 0.00001.
gnomAD v4.1: 45 of 1,614,080 alleles (0.0028%); highest among the groups gnomAD compares: Non-Finnish European, 0.0037%; no homozygotes.

Submissions (2):

Ambry Genetics
Classification: Uncertain significance. Last evaluated: 2023-08-28. Review status: criteria provided, single submitter. Criteria: Ambry Variant Classification Scheme 2023. Collection method: clinical testing. Allele origin: germline.

Labcorp Genetics (formerly Invitae), Labcorp
Classification: Uncertain significance. Last evaluated: 2022-08-29. Review status: criteria provided, single submitter. Criteria: Invitae Variant Classification Sherloc (09022015). Collection method: clinical testing. Allele origin: germline.
Comment: In summary, the available evidence is currently insufficient to determine the role of this variant in disease. Therefore, it has been classified as a Variant of Uncertain Significance. Algorithms developed to predict the effect of missense changes on protein structure and function are either unavailable or do not agree on the potential impact of this missense change (SIFT: "Deleterious"; PolyPhen-2: "Probably Damaging"; Align-GVGD: "Class C0"). This sequence change replaces cysteine, which is neutral and slightly polar, with tyrosine, which is neutral and polar, at codon 1453 of the A2ML1 protein (p.Cys1453Tyr). This variant is present in population databases (rs766628504, gnomAD 0.002%). This variant has not been reported in the literature in individuals affected with A2ML1-related conditions.

NM_144670.6(A2ML1):c.4358G>A (p.Cys1453Tyr)

Gene: A2ML1 (alpha-2-macroglobulin like 1; plus strand). Cytogenetic location: 12p13.31.
Variant type: single nucleotide variant.
Coding change: c.4358G>A on transcript NM_144670.6 (MANE Select); coding-DNA position 4358, G replaced by A.
Protein change: p.Cys1453Tyr; replaces cysteine 1453 with tyrosine.
Molecular consequence: missense variant.
Genome position (GRCh38, 1-based): chr12:8,875,004, G>A. VCF-style: chr12-8875004-G-A. GRCh37 (hg19) VCF-style: chr12-9027600-G-A.
Other names: c.4358G>A (NM_144670.3); c.2885G>A, p.Cys962Tyr (NM_001282424.3); short protein forms C1453Y, C962Y.
Identifiers: ClinVar variation 2075673 (VCV002075673.6), dbSNP rs766628504, ClinGen allele CA6436679.